The following is an entry in ClinVar:

NM_000035.4(ALDOB):c.226G>A (p.Gly76Ser)

Gene: ALDOB (aldolase, fructose-bisphosphate B; minus strand). Cytogenetic location: 9q31.1.
Variant type: single nucleotide variant.
Coding change: c.226G>A on transcript NM_000035.4 (MANE Select); coding-DNA position 226, G replaced by A.
Protein change: p.Gly76Ser; replaces glycine 76 with serine.
Molecular consequence: missense variant.
Genome position (GRCh38, 1-based): chr9:101,429,853, C>T on the plus strand (G>A on the coding strand, the complement: ALDOB is on the minus strand). VCF-style: chr9-101429853-C-T. GRCh37 (hg19) VCF-style: chr9-104192135-C-T.
Other names: p.Gly76Ser; c.226G>A (NM_000035.3); c.226G>A, p.Gly76Ser (LRG_1244t1); short protein forms G76S.
Identifiers: ClinVar variation 500239 (VCV000500239.12), dbSNP rs759204107, ClinGen allele CA5161692.

ClinVar aggregate classification (germline): Uncertain significance. Review status: criteria provided, multiple submitters, no conflicts (2 of 4 stars). 6 submissions from 6 submitters: Uncertain significance (6). Last evaluated 2025-10-29.

Conditions:
Inborn genetic diseases. Identifiers: MedGen C0950123, MeSH D030342.
ALDOB-related disorder. Also called: ALDOB-related condition.
Hereditary fructosuria. Also called: Hereditary fructose intolerance; Fructose intolerance; ALDOB DEFICIENCY; ALDOLASE B DEFICIENCY; FRUCTOSE-1,6-BISPHOSPHATE ALDOLASE B DEFICIENCY; FRUCTOSE-1-PHOSPHATE ALDOLASE DEFICIENCY. Identifiers: Orphanet 469, MedGen C0016751, MONDO:0009249, OMIM 229600, HP:0005973. Disease mechanism: loss of function.

Allele frequency attached by ClinVar (database versions not stated): gnomAD 0.00003; gnomAD exomes 0.00004 and 0.00012; TOPMed 0.00004; ExAC 0.00012.

Submissions (6):

PreventionGenetics, part of Exact Sciences
Classification: Uncertain significance for ALDOB-related condition. Last evaluated: 2025-10-29. Review status: criteria provided, single submitter. Criteria: ACMG Guidelines, 2015. Collection method: clinical testing. Allele origin: germline.
Comment: The ALDOB c.226G>A variant is predicted to result in the amino acid substitution p.Gly76Ser. To our knowledge, this variant has not been reported in the literature. This variant is reported in 0.11% of alleles in individuals of East Asian descent in gnomAD. At this time, the clinical significance of this variant is uncertain due to the absence of conclusive functional and genetic evidence.

Mayo Clinic Laboratories, Mayo Clinic
Classification: Uncertain significance. Last evaluated: 2024-03-14. Review status: criteria provided, single submitter. Criteria: ACMG Guidelines, 2015. Collection method: clinical testing. Allele origin: germline. Observed: 1 variant allele.

Ambry Genetics
Classification: Uncertain significance for Inborn genetic diseases. Last evaluated: 2023-05-09. Review status: criteria provided, single submitter. Criteria: Ambry Variant Classification Scheme 2023. Collection method: clinical testing. Allele origin: germline.

Labcorp Genetics (formerly Invitae), Labcorp
Classification: Uncertain significance for Hereditary fructosuria. Last evaluated: 2021-10-20. Review status: criteria provided, single submitter. Criteria: Invitae Variant Classification Sherloc (09022015). Collection method: clinical testing. Allele origin: germline.
Comment: This sequence change replaces glycine, which is neutral and non-polar, with serine, which is neutral and polar, at codon 76 of the ALDOB protein (p.Gly76Ser). This variant is present in population databases (rs759204107, gnomAD 0.1%). This variant has not been reported in the literature in individuals affected with ALDOB-related conditions. ClinVar contains an entry for this variant (Variation ID: 500239). Algorithms developed to predict the effect of missense changes on protein structure and function are either unavailable or do not agree on the potential impact of this missense change (SIFT: "Deleterious"; PolyPhen-2: "Probably Damaging"; Align-GVGD: "Class C0"). In summary, the available evidence is currently insufficient to determine the role of this variant in disease. Therefore, it has been classified as a Variant of Uncertain Significance.

Eurofins Ntd Llc (ga)
Classification: Uncertain significance. Last evaluated: 2017-02-02. Review status: criteria provided, single submitter. Criteria: EGL Classification Definitions 2015. Collection method: clinical testing. Allele origin: germline. Observed: 1 variant allele, 1 heterozygote.

Juno Genomics, Hangzhou Juno Genomics, Inc
Classification: Uncertain significance for Hereditary fructosuria. Review status: criteria provided, single submitter. Criteria: ACMG Guidelines, 2015. Collection method: clinical testing. Allele origin: germline.
Comment: Absent from controls (or at extremely low frequency if recessive) in Genome Aggregation Database.;Multiple lines of computational evidence support a deleterious effect on the gene or gene product.

Literature cited by the submitters: PubMed 37743645 (cited by Mayo Clinic Laboratories, Mayo Clinic).